The following is an entry in ClinVar:

NM_177438.3(DICER1):c.4405C>A (p.Leu1469Ile)

Gene: DICER1 (dicer 1, ribonuclease III; minus strand). Cytogenetic location: 14q32.13.
Variant type: single nucleotide variant.
Coding change: c.4405C>A on transcript NM_177438.3 (MANE Select); coding-DNA position 4405, C replaced by A.
Protein change: p.Leu1469Ile; replaces leucine 1469 with isoleucine.
Molecular consequence: missense variant.
Genome position (GRCh38, 1-based): chr14:95,096,515, G>T on the plus strand (C>A on the coding strand, the complement: DICER1 is on the minus strand). VCF-style: chr14-95096515-G-T. GRCh37 (hg19) VCF-style: chr14-95562852-G-T.
Other names: c.4405C>A, p.Leu1469Ile (NM_001195573.1, NM_001271282.3, NM_001291628.2 and 1 more transcripts); short protein forms L1469I.
Identifiers: ClinVar variation 412062 (VCV000412062.18), dbSNP rs766194200, ClinGen allele CA7330854.

ClinVar aggregate classification (germline): Uncertain significance. Review status: criteria provided, multiple submitters, no conflicts (2 of 4 stars). 4 submissions from 4 submitters: Uncertain significance (4). Last evaluated 2025-08-10.

Conditions:
Hereditary cancer-predisposing syndrome. Also called: Hereditary neoplastic syndrome; Neoplastic Syndromes, Hereditary; Tumor predisposition; Hereditary Cancer Syndrome. Identifiers: Orphanet 140162, MedGen C0027672, MeSH D009386, MONDO:0015356.
Global developmental delay - lung cysts - overgrowth - Wilms tumor syndrome. Also called: GLOW Syndrome; GLOBAL DEVELOPMENTAL DELAY, LUNG CYSTS, OVERGROWTH, AND WILMS TUMOR. Identifiers: Orphanet 404476, MedGen C4748924, MONDO:0018445, OMIM 618272.
DICER1-related tumor predisposition. Also called: DICER1-related pleuropulmonary blastoma cancer predisposition syndrome; DICER1 syndrome. Identifiers: Orphanet 284343, MedGen C3839822, MONDO:0100216.

Allele frequency attached by ClinVar (database versions not stated): gnomAD exomes below 0.00001; ExAC 0.00001; TOPMed 0.00005; gnomAD 0.00007.
gnomAD v4.1: 14 of 1,613,968 alleles (0.00087%); highest among the groups gnomAD compares: African/African-American, 0.015%; no homozygotes.

Submissions (4):

Ambry Genetics
Classification: Uncertain significance for Hereditary cancer-predisposing syndrome. Last evaluated: 2025-08-10. Review status: criteria provided, single submitter. Criteria: Ambry Variant Classification Scheme 2023. Collection method: clinical testing. Allele origin: germline.
Comment: The p.L1469I variant (also known as c.4405C>A), located in coding exon 22 of the DICER1 gene, results from a C to A substitution at nucleotide position 4405. The leucine at codon 1469 is replaced by isoleucine, an amino acid with highly similar properties. This amino acid position is highly conserved in available vertebrate species. In addition, the in silico prediction for this alteration is inconclusive. Since supporting evidence is limited at this time, the clinical significance of this alteration remains unclear.

Labcorp Genetics (formerly Invitae), Labcorp
Classification: Uncertain significance for DICER1-related tumor predisposition. Last evaluated: 2024-12-23. Review status: criteria provided, single submitter. Criteria: Invitae Variant Classification Sherloc (09022015). Collection method: clinical testing. Allele origin: germline.
Comment: This sequence change replaces leucine, which is neutral and non-polar, with isoleucine, which is neutral and non-polar, at codon 1469 of the DICER1 protein (p.Leu1469Ile). This variant is present in population databases (rs766194200, gnomAD 0.008%). This variant has not been reported in the literature in individuals affected with DICER1-related conditions. ClinVar contains an entry for this variant (Variation ID: 412062). Invitae Evidence Modeling of protein sequence and biophysical properties (such as structural, functional, and spatial information, amino acid conservation, physicochemical variation, residue mobility, and thermodynamic stability) indicates that this missense variant is not expected to disrupt DICER1 protein function with a negative predictive value of 95%. In summary, the available evidence is currently insufficient to determine the role of this variant in disease. Therefore, it has been classified as a Variant of Uncertain Significance.

Baylor Genetics
Classification: Uncertain significance for Global developmental delay - lung cysts - overgrowth - Wilms tumor syndrome. Last evaluated: 2024-02-05. Review status: criteria provided, single submitter. Criteria: ACMG Guidelines, 2015. Collection method: clinical testing. Allele origin: unknown.

GeneDx
Classification: Uncertain significance. Last evaluated: 2023-01-10. Review status: criteria provided, single submitter. Criteria: GeneDx Variant Classification Process June 2021. Collection method: clinical testing. Allele origin: germline. Affected: yes.
Comment: Not observed at significant frequency in large population cohorts (gnomAD); In silico analysis supports that this missense variant does not alter protein structure/function; Has not been previously published as pathogenic or benign to our knowledge